The following is an entry in ClinVar:

ClinVar aggregate classification (germline): Conflicting classifications of pathogenicity. Review status: criteria provided, conflicting classifications (1 of 4 stars). 3 submissions from 2 submitters: Uncertain significance (1); Likely benign (2). Last evaluated 2021-09-10.

Conditions:
Autosomal recessive nonsyndromic hearing loss 12. Also called: DEAFNESS, AUTOSOMAL RECESSIVE 12. Identifiers: Orphanet 90636, MedGen C1832394, MONDO:0011067, OMIM 601386.
Usher syndrome type 1D (USH1D). Also called: USHER SYNDROME, TYPE ID. Identifiers: Orphanet 231169, Orphanet 886, MedGen C1832845, MONDO:0010984, OMIM 601067.

Allele frequency attached by ClinVar (database versions not stated): gnomAD 0.00420; TOPMed 0.00467; gnomAD exomes 0.00129; 1000 Genomes Project 0.00579; 1000 Genomes Project 30x 0.00593.
gnomAD v4.1: 679 of 192,022 alleles (0.35%); highest among the groups gnomAD compares: Middle Eastern, 2.3%; 7 homozygotes.

Submissions (3):

GeneDx
Classification: Likely benign. Last evaluated: 2021-09-10. Review status: criteria provided, single submitter. Criteria: GeneDx Variant Classification Process June 2021. Collection method: clinical testing. Allele origin: germline. Affected: yes.

Illumina Laboratory Services, Illumina
Classification: Uncertain significance for Autosomal recessive nonsyndromic hearing loss 12. Last evaluated: 2018-01-12. Review status: criteria provided, single submitter. Criteria: ICSL Variant Classification Criteria 13 December 2019. Collection method: clinical testing. Allele origin: germline.

Illumina Laboratory Services, Illumina
Classification: Likely benign for Usher syndrome type 1D. Last evaluated: 2018-01-12. Review status: criteria provided, single submitter. Criteria: ICSL Variant Classification Criteria 13 December 2019. Collection method: clinical testing. Allele origin: germline.
Comment: This variant was observed in the ICSL laboratory as part of a predisposition screen in an ostensibly healthy population. It had not been previously curated by ICSL or reported in the Human Gene Mutation Database (HGMD: prior to June 1st, 2018), and was therefore a candidate for classification through an automated scoring system. Utilizing variant allele frequency, disease prevalence and penetrance estimates, and inheritance mode, an automated score was calculated to assess if this variant is too frequent to cause the disease. Based on the score and internal cut-off values, a variant classified as likely benign is not then subjected to further curation. The score for this variant resulted in a classification of likely benign for this disease.

NM_022124.6(CDH23):c.*361C>A

Gene: CDH23 (cadherin related 23; plus strand). Cytogenetic location: 10q22.1.
Variant type: single nucleotide variant.
Coding change: c.*361C>A on transcript NM_022124.6 (MANE Select); 361 bases downstream of the stop codon, C replaced by A.
Molecular consequence: 3 prime UTR variant.
Genome position (GRCh38, 1-based): chr10:71,815,639, C>A. VCF-style: chr10-71815639-C-A. GRCh37 (hg19) VCF-style: chr10-73575396-C-A.
Other names: c.*361C>A (NM_001171933.1, NM_001171934.1, NM_001171935.1 and 1 more transcripts).
Identifiers: ClinVar variation 300490 (VCV000300490.7), dbSNP rs115033851, ClinGen allele CA10635726.